The following is an entry in ClinVar:

NM_002878.4(RAD51D):c.871C>G (p.Arg291Gly)

Genes: RAD51L3-RFFL (RAD51L3-RFFL readthrough; minus strand), RAD51D (RAD51 paralog D; minus strand). Cytogenetic location: 17q12.
Variant type: single nucleotide variant.
Coding change: c.871C>G on transcript NM_002878.4 (MANE Select); coding-DNA position 871, C replaced by G.
Protein change: p.Arg291Gly; replaces arginine 291 with glycine.
Molecular consequence: missense variant. On other transcripts: non-coding transcript variant (3).
Genome position (GRCh38, 1-based): chr17:35,101,233, G>C on the plus strand (C>G on the coding strand, the complement: RAD51D is on the minus strand). VCF-style: chr17-35101233-G-C. GRCh37 (hg19) VCF-style: chr17-33428252-G-C.
Other names: c.931C>G, p.Arg311Gly (NM_001142571.2); c.535C>G, p.Arg179Gly (NM_133629.3); short protein forms R291G, R311G, R179G.
Identifiers: ClinVar variation 2715835 (VCV002715835.3), dbSNP rs372038369, ClinGen allele CA399086435.

ClinVar aggregate classification (germline): Uncertain significance (1 of 4 stars; one submission).

Conditions:
Breast-ovarian cancer, familial, susceptibility to, 4. Identifiers: Orphanet 145, MedGen C3280345, MONDO:0013669, OMIM 614291.

Submission:

Labcorp Genetics (formerly Invitae), Labcorp
Classification: Uncertain significance for Breast-ovarian cancer, familial, susceptibility to, 4. Last evaluated: 2024-01-04. Review status: criteria provided, single submitter. Criteria: Invitae Variant Classification Sherloc (09022015). Collection method: clinical testing. Allele origin: germline.
Comment: This sequence change replaces arginine, which is basic and polar, with glycine, which is neutral and non-polar, at codon 291 of the RAD51D protein (p.Arg291Gly). This variant is not present in population databases (gnomAD no frequency). This variant has not been reported in the literature in individuals affected with RAD51D-related conditions. Advanced modeling of protein sequence and biophysical properties (such as structural, functional, and spatial information, amino acid conservation, physicochemical variation, residue mobility, and thermodynamic stability) performed at Invitae indicates that this missense variant is not expected to disrupt RAD51D protein function with a negative predictive value of 80%. In summary, the available evidence is currently insufficient to determine the role of this variant in disease. Therefore, it has been classified as a Variant of Uncertain Significance.